The following is an entry in ClinVar:

ClinVar aggregate classification (germline): Pathogenic (1 of 4 stars; one submission).

Conditions:
Hereditary spastic paraplegia 74. Also called: Spastic paraplegia 74, autosomal recessive. Identifiers: Orphanet 468661, MedGen C5568837, MONDO:0014644, OMIM 616451.
Multiple mitochondrial dysfunctions syndrome 3 (MMDS3). Identifiers: Orphanet 363424, MedGen C3809165, MONDO:0014132, OMIM 615330.

Submission:

Labcorp Genetics (formerly Invitae), Labcorp
Classification: Pathogenic for Multiple mitochondrial dysfunctions syndrome 3; Hereditary spastic paraplegia 74. Last evaluated: 2024-01-08. Review status: criteria provided, single submitter. Criteria: Invitae Variant Classification Sherloc (09022015). Collection method: clinical testing. Allele origin: germline.
Comment: This sequence change creates a premature translational stop signal (p.Leu112*) in the IBA57 gene. It is expected to result in an absent or disrupted protein product. Loss-of-function variants in IBA57 are known to be pathogenic (PMID: 23462291, 25971455, 27785568, 28671726). This variant is not present in population databases (gnomAD no frequency). This variant has not been reported in the literature in individuals affected with IBA57-related conditions. ClinVar contains an entry for this variant (Variation ID: 1396845). For these reasons, this variant has been classified as Pathogenic.

Literature cited by the submitters: PubMed 23462291; PubMed 25971455; PubMed 27785568; PubMed 28671726.

NM_001010867.4(IBA57):c.335T>A (p.Leu112Ter)

Gene: IBA57 (iron-sulfur cluster assembly factor IBA57; plus strand). Cytogenetic location: 1q42.13.
Variant type: single nucleotide variant.
Coding change: c.335T>A on transcript NM_001010867.4 (MANE Select); coding-DNA position 335, T replaced by A.
Protein change: p.Leu112Ter; replaces leucine 112 with a stop codon.
Molecular consequence: nonsense.
Genome position (GRCh38, 1-based): chr1:228,166,151, T>A. VCF-style: chr1-228166151-T-A. GRCh37 (hg19) VCF-style: chr1-228353852-T-A.
Other names: short protein forms L112*.
Identifiers: ClinVar variation 1396845 (VCV001396845.6), dbSNP rs775646159, ClinGen allele CA345106881.
Genomic context (GRCh38, chr1:228,166,151, plus strand): 5'-CGCGCGCGGGCTACGCCCACTTCCTGAACGTGCAGGGCCGGACGCTCTATGACGTCATCT[T>A]GTACGGGTGAGCGCGTGCTGGGAGGGCGCTCGGGGGCGGGCACCCAGGGGAGTGGCCAGG-3'